The following is an entry in ClinVar:

ClinVar aggregate classification (germline): Uncertain significance (1 of 4 stars; one submission).

Conditions:
Malignant hyperthermia, susceptibility to, 1 (MHS1). Also called: RYR1-Related Malignant Hyperthermia Susceptibility; Malignant hyperthermia suceptibility 1; Anesthesia related hyperthermia; Malignant hyperpyrexia; Fulminating hyperpyrexia; Pharmacogenic myopathy. Identifiers: Orphanet 423, MedGen C2930980, MONDO:0007783, OMIM 145600.

gnomAD v4.1: 2 of 1,614,108 alleles (0.00012%); highest among the groups gnomAD compares: Non-Finnish European, 0.00017%; no homozygotes.

Submission:

Leeds Institute of Medical Research, University of Leeds
Classification: Uncertain significance for Malignant hyperthermia, susceptibility to, 1. Review status: criteria provided, single submitter. Criteria: Johnston et al. (Hum Mol Genet. 2022). Collection method: research. Allele origin: germline. Affected: yes. Observed: 1 variant allele, 1 heterozygote.
Comment: ACMG/AMP PP3 CADD_PHRED score of 24. PM2 This missense variant was seen in an individual classified as MH susceptiblefrom the n=100 MH susceptible individuals tested. It was not in the n=25 MH normal group, but was in the UK biobank (MAF 2.04E-06). The variant and gene have not been reported before as the causative molecular basis of MH susceptibility. For these reasons the variant is classified as uncertain significance.

NM_000727.4(CACNG1):c.418G>C (p.Ala140Pro)

Gene: CACNG1 (calcium voltage-gated channel auxiliary subunit gamma 1; plus strand). Cytogenetic location: 17q24.2.
Variant type: single nucleotide variant.
Coding change: c.418G>C on transcript NM_000727.4 (MANE Select); coding-DNA position 418, G replaced by C.
Protein change: p.Ala140Pro; replaces alanine 140 with proline.
Molecular consequence: missense variant.
Genome position (GRCh38, 1-based): chr17:67,055,216, G>C. VCF-style: chr17-67055216-G-C. GRCh37 (hg19) VCF-style: chr17-65051332-G-C.
Other names: short protein forms A140P.
Identifiers: ClinVar variation 4082269 (VCV004082269.1).
Genomic context (GRCh38, chr17:67,055,216, plus strand): 5'-CTGGGCAGCCTCTGTGTCCTCCTGTCCCTCGGGAAGAAGAGGGACTATCTGCTGCGACCC[G>C]CGTCCATGTTCTATGCCTTTGCAGGTAGACTGGGGGATCTGCCTGAGCGCCGGGGCCGGG-3'
Protein context (NP_000718.1, residues 130-150): GKKRDYLLRP[Ala140Pro]SMFYAFAGLC